The following is an entry in ClinVar:

ClinVar aggregate classification (germline): Pathogenic (1 of 4 stars; one submission).

Conditions:
Neu-Laxova syndrome 2. Identifiers: Orphanet 2671, Orphanet 583602, MedGen C4015019, MONDO:0014466, OMIM 616038.

Submission:

Labcorp Genetics (formerly Invitae), Labcorp
Classification: Pathogenic for Neu-Laxova syndrome 2. Last evaluated: 2025-08-04. Review status: criteria provided, single submitter. Criteria: Invitae Variant Classification Sherloc (09022015). Collection method: clinical testing. Allele origin: germline.
Comment: This sequence change creates a premature translational stop signal (p.Ser179*) in the PSAT1 gene. It is expected to result in an absent or disrupted protein product. Loss-of-function variants in PSAT1 are known to be pathogenic (PMID: 17436247, 25152457). This variant is not present in population databases (gnomAD no frequency). This variant has not been reported in the literature in individuals affected with PSAT1-related conditions. ClinVar contains an entry for this variant (Variation ID: 3674117). For these reasons, this variant has been classified as Pathogenic.

Literature cited by the submitters: PubMed 17436247; PubMed 25152457.

NM_058179.4(PSAT1):c.536C>G (p.Ser179Ter)

Gene: PSAT1 (phosphoserine aminotransferase 1; plus strand). Cytogenetic location: 9q21.2.
Variant type: single nucleotide variant.
Coding change: c.536C>G on transcript NM_058179.4 (MANE Select); coding-DNA position 536, C replaced by G.
Protein change: p.Ser179Ter; replaces serine 179 with a stop codon.
Molecular consequence: nonsense.
Genome position (GRCh38, 1-based): chr9:78,306,452, C>G. VCF-style: chr9-78306452-C-G. GRCh37 (hg19) VCF-style: chr9-80921368-C-G.
Other names: c.536C>G, p.Ser179Ter (NM_021154.5); short protein forms S179*.
Identifiers: ClinVar variation 3674117 (VCV003674117.2).